The following is an entry in ClinVar:

NM_001040458.3(ERAP1):c.54C>T (p.Ser18=)

Gene: ERAP1 (endoplasmic reticulum aminopeptidase 1; minus strand). Cytogenetic location: 5q15.
Variant type: single nucleotide variant.
Coding change: c.54C>T on transcript NM_001040458.3 (MANE Select); coding-DNA position 54, C replaced by T.
Protein change: p.Ser18=; no amino-acid change (serine 18 retained).
Molecular consequence: synonymous variant.
Genome position (GRCh38, 1-based): chr5:96,803,873, G>A on the plus strand (C>T on the coding strand, the complement: ERAP1 is on the minus strand). VCF-style: chr5-96803873-G-A. GRCh37 (hg19) VCF-style: chr5-96139576-G-A.
Other names: c.54C>T, p.Ser18= (NM_001198541.3, NM_001349244.2, NM_016442.5).
Identifiers: ClinVar variation 731492 (VCV000731492.11), dbSNP rs144373640, ClinGen allele CA3352645.

ClinVar aggregate classification (germline): Benign/Likely benign. Review status: criteria provided, multiple submitters, no conflicts (2 of 4 stars). 2 submissions from 2 submitters: Benign (1); Likely benign (1). Last evaluated 2025-07-01.

Allele frequency attached by ClinVar (database versions not stated): 1000 Genomes Project 0.00060; 1000 Genomes Project 30x 0.00078; gnomAD 0.00111 and 0.00114; TOPMed 0.00112; ESP Exome Variant Server 0.00138; gnomAD exomes 0.00146; ExAC 0.00160.
gnomAD v4.1: 2,361 of 1,613,088 alleles (0.15%); highest among the groups gnomAD compares: Non-Finnish European, 0.18%; 5 homozygotes.

Submissions (2):

CeGaT Center for Human Genetics Tuebingen
Classification: Likely benign. Last evaluated: 2025-07-01. Review status: criteria provided, single submitter. Criteria: CeGaT Center For Human Genetics Tuebingen Variant Classification Criteria Version 2. Collection method: clinical testing. Allele origin: germline. Affected: yes. Observed: 1 variant allele.
Comment: ERAP1: BP4, BP7

Labcorp Genetics (formerly Invitae), Labcorp
Classification: Benign. Last evaluated: 2018-07-12. Review status: criteria provided, single submitter. Criteria: Invitae Variant Classification Sherloc (09022015). Collection method: clinical testing. Allele origin: germline.